The following is an entry in ClinVar:

ClinVar aggregate classification (germline): Likely benign (1 of 4 stars; one submission).

Allele frequency attached by ClinVar (database versions not stated): gnomAD exomes 0.00004 and 0.00002; ExAC 0.00010; gnomAD 0.00001; TOPMed 0.00001.
gnomAD v4.1: 29 of 1,608,912 alleles (0.0018%); highest among the groups gnomAD compares: Non-Finnish European, 0.0023%; no homozygotes.

Submission:

GeneDx
Classification: Likely benign. Last evaluated: 2016-08-31. Review status: criteria provided, single submitter. Criteria: GeneDx Variant Classification (06012015). Collection method: clinical testing. Allele origin: germline. Affected: yes.
Comment: This variant is considered likely benign or benign based on one or more of the following criteria: it is a conservative change, it occurs at a poorly conserved position in the protein, it is predicted to be benign by multiple in silico algorithms, and/or has population frequency not consistent with disease.

NM_015443.4(KANSL1):c.585A>G (p.Gly195=)

Gene: KANSL1 (KAT8 regulatory NSL complex subunit 1). Cytogenetic location: 17q21.31.
Variant type: single nucleotide variant.
Coding change: c.585A>G on transcript NM_015443.4 (MANE Select); coding-DNA position 585, A replaced by G.
Protein change: p.Gly195=; no amino-acid change (glycine 195 retained).
Molecular consequence: synonymous variant.
Genome position (GRCh38, 1-based): chr17:46,171,559, T>C on the plus strand (A>G on the coding strand, the complement: KANSL1 is on the minus strand). VCF-style: chr17-46171559-T-C. GRCh37 (hg19) VCF-style: chr17-44248925-T-C.
Other names: c.585A>G, p.Gly195= (NM_001193465.2, NM_001193466.2, NM_001379198.1).
Identifiers: ClinVar variation 377987 (VCV000377987.1), dbSNP rs751318218, ClinGen allele CA8619021.